The following is an entry in ClinVar:

ClinVar aggregate classification (germline): Conflicting classifications of pathogenicity. Review status: criteria provided, conflicting classifications (1 of 4 stars). 10 submissions from 10 submitters: Uncertain significance (2); Benign (1); Likely benign (6). 1 of the submissions does not count toward it. Last evaluated 2026-04-01.

Conditions:
AGRN-related disorder. Also called: AGRN-related condition.
Inborn genetic diseases. Identifiers: MedGen C0950123, MeSH D030342.
Congenital myasthenic syndrome 8. Also called: MYASTHENIC SYNDROME, CONGENITAL, DUE TO AGRIN DEFICIENCY; Myasthenic syndrome, congenital, 8, with pre- and postsynaptic defects. Identifiers: Orphanet 590, MedGen C3808739, MONDO:0014052, OMIM 615120.

Allele frequency attached by ClinVar (database versions not stated): 1000 Genomes Project 0.00100; 1000 Genomes Project 30x 0.00109; ESP Exome Variant Server 0.00161; TOPMed 0.00181; gnomAD exomes 0.00197 and 0.00273; gnomAD 0.00200 and 0.00203; ExAC 0.00209.
gnomAD v4.1: 4,235 of 1,613,700 alleles (0.26%); highest among the groups gnomAD compares: Non-Finnish European, 0.33%; 7 homozygotes.

Submissions (10):

CeGaT Center for Human Genetics Tuebingen
Classification: Likely benign. Last evaluated: 2026-04-01. Review status: criteria provided, single submitter. Criteria: CeGaT Center For Human Genetics Tuebingen Variant Classification Criteria Version 2. Collection method: clinical testing. Allele origin: germline. Affected: yes. Observed: 3 variant alleles.
Comment: AGRN: BP4, BS2

Labcorp Genetics (formerly Invitae), Labcorp
Classification: Likely benign for Congenital myasthenic syndrome 8. Last evaluated: 2026-01-14. Review status: criteria provided, single submitter. Criteria: Invitae Variant Classification Sherloc (09022015). Collection method: clinical testing. Allele origin: germline.

Mayo Clinic Laboratories, Mayo Clinic
Classification: Likely benign. Last evaluated: 2025-04-25. Review status: criteria provided, single submitter. Criteria: ACMG Guidelines, 2015. Collection method: clinical testing. Allele origin: germline. Observed: 1 variant allele.
Comment: BS2, BP4_moderate

Women's Health and Genetics/Laboratory Corporation of America, LabCorp
Classification: Likely benign. Last evaluated: 2024-12-17. Review status: criteria provided, single submitter. Criteria: LabCorp Variant Classification Summary - May 2015. Collection method: clinical testing. Allele origin: germline.
Comment: Variant summary: AGRN c.2690C>T (p.Ala897Val) results in a non-conservative amino acid change in the encoded protein sequence. Four of five in-silico tools predict a benign effect of the variant on protein function. The variant allele was found at a frequency of 0.002 in 250082 control chromosomes, predominantly at a frequency of 0.0035 within the Non-Finnish European subpopulation in the gnomAD database, including 1 homozygote. The observed variant frequency within Non-Finnish European control individuals in the gnomAD database exceeds the estimated maximal expected allele frequency for a pathogenic variant in AGRN causing Congenital Myasthenic Syndrome-8 phenotype. To our knowledge, no occurrence of c.2690C>T in individuals affected with Congenital Myasthenic Syndrome-8 and no experimental evidence demonstrating its impact on protein function have been reported. ClinVar contains an entry for this variant (Variation ID: 235570). Based on the evidence outlined above, the variant was classified as likely benign.

Blueprint Genetics
Classification: Likely benign. Last evaluated: 2024-10-10. Review status: criteria provided, single submitter. Criteria: ACMG Guidelines, 2015. Collection method: clinical testing. Allele origin: germline.

Athena Diagnostics
Classification: Benign. Last evaluated: 2024-07-05. Review status: criteria provided, single submitter. Criteria: Athena Diagnostics Criteria. Collection method: clinical testing. Allele origin: unknown.

Ambry Genetics
Classification: Uncertain significance for Inborn genetic diseases. Last evaluated: 2024-06-10. Review status: criteria provided, single submitter. Criteria: Ambry Variant Classification Scheme 2023. Collection method: clinical testing. Allele origin: germline.

GeneDx
Classification: Likely benign. Last evaluated: 2021-05-21. Review status: criteria provided, single submitter. Criteria: GeneDx Variant Classification Process June 2021. Collection method: clinical testing. Allele origin: germline. Affected: yes.

Center for Pediatric Genomic Medicine, Children's Mercy Hospital and Clinics
Classification: Uncertain significance. Last evaluated: 2015-12-21. Review status: criteria provided, single submitter. Criteria: ACMG Guidelines, 2015. Collection method: clinical testing. Allele origin: germline.
ClinVar note: Converted during submission from Uncertain Significance to Uncertain significance.

PreventionGenetics, part of Exact Sciences
Classification: Likely benign for AGRN-related condition. Last evaluated: 2022-03-03. Review status: no assertion criteria provided. Collection method: clinical testing. Allele origin: germline. Not counted in ClinVar's aggregate classification.
Comment: This variant is classified as likely benign based on ACMG/AMP sequence variant interpretation guidelines (Richards et al. 2015 PMID: 25741868, with internal and published modifications).

Literature cited by the submitters: PubMed 34948429 (cited by Mayo Clinic Laboratories, Mayo Clinic and Athena Diagnostics).

NM_198576.4(AGRN):c.2690C>T (p.Ala897Val)

Gene: AGRN (agrin; plus strand). Cytogenetic location: 1p36.33.
Variant type: single nucleotide variant.
Coding change: c.2690C>T on transcript NM_198576.4 (MANE Select); coding-DNA position 2690, C replaced by T.
Protein change: p.Ala897Val; replaces alanine 897 with valine.
Molecular consequence: missense variant.
Genome position (GRCh38, 1-based): chr1:1,045,973, C>T. VCF-style: chr1-1045973-C-T. GRCh37 (hg19) VCF-style: chr1-981353-C-T.
Other names: c.2690C>T, p.Ala897Val (NM_001305275.2); c.2375C>T, p.Ala792Val (NM_001364727.2); c.2690C>T (LRG_198t1); short protein forms A897V, A792V.
Identifiers: ClinVar variation 235570 (VCV000235570.40), dbSNP rs116836855, ClinGen allele CA508772.